The following is an entry in ClinVar:

ClinVar aggregate classification (germline): Uncertain significance (1 of 4 stars; one submission).

Conditions:
Polyglandular autoimmune syndrome, type 1 (APS1). Also called: APS I; Autoimmune polyendocrinopathy syndrome, type I; Whitaker syndrome; AUTOIMMUNE POLYENDOCRINE SYNDROME, TYPE I, WITH OR WITHOUT REVERSIBLE METAPHYSEAL DYSPLASIA; Autoimmune polyendocrine syndrome type 1; HYPOADRENOCORTICISM WITH HYPOPARATHYROIDISM AND SUPERFICIAL MONILIASIS. Identifiers: Orphanet 3453, MedGen C0085859, MONDO:0009411, OMIM 240300.

Allele frequency attached by ClinVar (database versions not stated): gnomAD exomes below 0.00001.
gnomAD v4.1: 1 of 1,612,590 alleles (0.000062%); highest among the groups gnomAD compares: Non-Finnish European, 0.000085%; no homozygotes.

Submission:

Labcorp Genetics (formerly Invitae), Labcorp
Classification: Uncertain significance for Polyglandular autoimmune syndrome, type 1. Last evaluated: 2024-11-20. Review status: criteria provided, single submitter. Criteria: Invitae Variant Classification Sherloc (09022015). Collection method: clinical testing. Allele origin: germline.
Comment: This sequence change replaces proline, which is neutral and non-polar, with serine, which is neutral and polar, at codon 509 of the AIRE protein (p.Pro509Ser). This variant is not present in population databases (gnomAD no frequency). This variant has not been reported in the literature in individuals affected with AIRE-related conditions. ClinVar contains an entry for this variant (Variation ID: 1007113). Invitae Evidence Modeling of protein sequence and biophysical properties (such as structural, functional, and spatial information, amino acid conservation, physicochemical variation, residue mobility, and thermodynamic stability) has been performed for this missense variant. However, the output from this modeling did not meet the statistical confidence thresholds required to predict the impact of this variant on AIRE protein function. In summary, the available evidence is currently insufficient to determine the role of this variant in disease. Therefore, it has been classified as a Variant of Uncertain Significance.

NM_000383.4(AIRE):c.1525C>T (p.Pro509Ser)

Genes: AIRE (autoimmune regulator; plus strand), LOC130066813 (ATAC-STARR-seq lymphoblastoid silent region 13378; plus strand). Cytogenetic location: 21q22.3.
Variant type: single nucleotide variant.
Coding change: c.1525C>T on transcript NM_000383.4 (MANE Select); coding-DNA position 1525, C replaced by T.
Protein change: p.Pro509Ser; replaces proline 509 with serine.
Molecular consequence: missense variant.
Genome position (GRCh38, 1-based): chr21:44,296,404, C>T. VCF-style: chr21-44296404-C-T. GRCh37 (hg19) VCF-style: chr21-45716287-C-T.
Other names: short protein forms P509S.
Identifiers: ClinVar variation 1007113 (VCV001007113.9), dbSNP rs999281375, ClinGen allele CA321797634.